The following is an entry in ClinVar:

ClinVar aggregate classification (germline): Uncertain significance. Review status: criteria provided, multiple submitters, no conflicts (2 of 4 stars). 2 submissions from 2 submitters: Uncertain significance (2). Last evaluated 2022-08-23.

Conditions:
Atrioventricular septal defect 5 (AVSD5). Identifiers: MedGen C3280939, MONDO:0013769, OMIM 614474.
Inborn genetic diseases. Identifiers: MedGen C0950123, MeSH D030342.

Allele frequency attached by ClinVar (database versions not stated): gnomAD 0.00001; gnomAD exomes 0.00001; TOPMed 0.00001.
gnomAD v4.1: 9 of 1,501,420 alleles (0.0006%); highest among the groups gnomAD compares: Admixed American, 0.002%; no homozygotes.

Submissions (2):

Labcorp Genetics (formerly Invitae), Labcorp
Classification: Uncertain significance for Atrioventricular septal defect 5. Last evaluated: 2022-08-23. Review status: criteria provided, single submitter. Criteria: Invitae Variant Classification Sherloc (09022015). Collection method: clinical testing. Allele origin: germline.
Comment: In summary, the available evidence is currently insufficient to determine the role of this variant in disease. Therefore, it has been classified as a Variant of Uncertain Significance. Algorithms developed to predict the effect of missense changes on protein structure and function output the following: SIFT: "Tolerated"; PolyPhen-2: "Benign"; Align-GVGD: "Class C0". The methionine amino acid residue is found in multiple mammalian species, which suggests that this missense change does not adversely affect protein function. ClinVar contains an entry for this variant (Variation ID: 1443442). This variant has not been reported in the literature in individuals affected with GATA6-related conditions. This variant is present in population databases (no rsID available, gnomAD 0.002%). This sequence change replaces valine, which is neutral and non-polar, with methionine, which is neutral and non-polar, at codon 341 of the GATA6 protein (p.Val341Met).

Ambry Genetics
Classification: Uncertain significance for Inborn genetic diseases. Last evaluated: 2021-05-10. Review status: criteria provided, single submitter. Criteria: Ambry Variant Classification Scheme 2023. Collection method: clinical testing. Allele origin: germline.

NM_005257.6(GATA6):c.1021G>A (p.Val341Met)

Gene: GATA6 (GATA binding protein 6; plus strand). Cytogenetic location: 18q11.2.
Variant type: single nucleotide variant.
Coding change: c.1021G>A on transcript NM_005257.6 (MANE Select); coding-DNA position 1021, G replaced by A.
Protein change: p.Val341Met; replaces valine 341 with methionine.
Molecular consequence: missense variant.
Genome position (GRCh38, 1-based): chr18:22,172,165, G>A. VCF-style: chr18-22172165-G-A. GRCh37 (hg19) VCF-style: chr18-19752126-G-A.
Other names: c.1021G>A (NM_005257.3); short protein forms V341M.
Identifiers: ClinVar variation 1443442 (VCV001443442.9), dbSNP rs1270889195, ClinGen allele CA401801641.